The following is an entry in ClinVar:

ClinVar aggregate classification (germline): Likely pathogenic (1 of 4 stars; one submission).

Conditions:
Wilms tumor 1 (WT1). Also called: Wilms tumor, somatic. Identifiers: Orphanet 654, MedGen CN033288, MONDO:0008679, OMIM 194070.

Submission:

Diagnostics Services (NGS), CSIR - Centre For Cellular And Molecular Biology
Classification: Likely pathogenic for Wilms tumor 1. Last evaluated: 2025-01-27. Review status: criteria provided, single submitter. Criteria: ACMG Guidelines, 2015. Collection method: clinical testing. Allele origin: unknown. Affected: yes. Observed: 1 variant allele, 1 heterozygote.
Comment: The c.863T>A variant is not present in publicly available population databases like 1000 Genomes, EVS, gnomAD, Indian Exome Database or our internal database. This variant has neither been published in the literature in individuals affected with WT1 related conditions nor reported to clinical databases like Human Genome Mutation Database (HGMD) ClinVar or OMIM, in any affected individuals. In-silico pathogenicity prediction programs like MutationTaster2021, CADD, Franklin, Varsome, InterVar etc predicted this variant to be likely deleterious, however, these predictions were not confirmed by published functional studies. This variant creates a premature translational stop-signal at the 288th amino acid position of the wild-type transcript that may result in translation of a truncated protein or cause nonsense mediated decay of the mRNA.

NM_024426.6(WT1):c.863T>A (p.Leu288Ter)

Gene: WT1 (WT1 transcription factor; minus strand). Cytogenetic location: 11p13.
Variant type: single nucleotide variant.
Coding change: c.863T>A on transcript NM_024426.6 (MANE Select); coding-DNA position 863, T replaced by A.
Protein change: p.Leu288Ter; replaces leucine 288 with a stop codon.
Molecular consequence: nonsense. On other transcripts: non-coding transcript variant (2).
Genome position (GRCh38, 1-based): chr11:32,427,980, A>T on the plus strand (T>A on the coding strand, the complement: WT1 is on the minus strand). VCF-style: chr11-32427980-A-T. GRCh37 (hg19) VCF-style: chr11-32449526-A-T.
Other names: c.101T>A, p.Leu34Ter (NM_001407051.1); c.644T>A, p.Leu215Ter (NM_001429031.1, NM_001429032.1, NM_001429033.1 and 1 more transcripts); c.863T>A, p.Leu288Ter (NM_024424.5, NM_000378.6, NM_001407044.1 and 4 more transcripts); c.212T>A, p.Leu71Ter (NM_001198551.2, NM_001198552.2); c.740T>A, p.Leu247Ter (NM_001407047.1, NM_001407050.1); short protein forms L215*, L247*, L283*, L288*, L34*, L71*.
Identifiers: ClinVar variation 3767974 (VCV003767974.1).
Genomic context (GRCh38, chr11:32,427,980, plus strand): 5'-CCAAGGACCCAGACGCAGAGCCCAGCGCCTTCCTACCTGCTGTAGGGCGTCCTCAGCAGC[A>T]AAGCCTGGCTGCCGGTGCAGCTGTCGGTGGGGGTGTGGCAGCCATAGACCGGGGGCGGCA-3'